The following is an entry in ClinVar:

ClinVar aggregate classification (germline): Uncertain significance (1 of 4 stars; one submission).

Conditions:
Hereditary cancer-predisposing syndrome. Also called: Tumor predisposition; Hereditary neoplastic syndrome; Hereditary Cancer Syndrome; Neoplastic Syndromes, Hereditary. Identifiers: Orphanet 140162, MedGen C0027672, MeSH D009386, MONDO:0015356.

Submission:

Ambry Genetics
Classification: Uncertain significance for Hereditary cancer-predisposing syndrome. Last evaluated: 2024-02-24. Review status: criteria provided, single submitter. Criteria: Ambry Variant Classification Scheme 2023. Collection method: clinical testing. Allele origin: germline.
Comment: The p.W579R variant (also known as c.1735T>C), located in coding exon 12 of the MSH3 gene, results from a T to C substitution at nucleotide position 1735. The tryptophan at codon 579 is replaced by arginine, an amino acid with dissimilar properties. This amino acid position is conserved. In addition, this alteration is predicted to be deleterious by in silico analysis. Based on the available evidence, the clinical significance of this alteration remains unclear.

NM_002439.5(MSH3):c.1735T>C (p.Trp579Arg)

Gene: MSH3 (mutS homolog 3; plus strand). Cytogenetic location: 5q14.1.
Variant type: single nucleotide variant.
Coding change: c.1735T>C on transcript NM_002439.5 (MANE Select); coding-DNA position 1735, T replaced by C.
Protein change: p.Trp579Arg; replaces tryptophan 579 with arginine.
Molecular consequence: missense variant.
Genome position (GRCh38, 1-based): chr5:80,744,587, T>C. VCF-style: chr5-80744587-T-C. GRCh37 (hg19) VCF-style: chr5-80040406-T-C.
Other names: short protein forms W579R.
Identifiers: ClinVar variation 3222247 (VCV003222247.1), dbSNP rs774216885, ClinGen allele CA360274793.